The following is an entry in ClinVar:

ClinVar aggregate classification (germline): Uncertain significance (1 of 4 stars; one submission).

Submission:

GeneDx
Classification: Uncertain significance. Last evaluated: 2025-07-23. Review status: criteria provided, single submitter. Criteria: GeneDx Variant Classification Process June 2021. Collection method: clinical testing. Allele origin: germline.
Comment: Not observed at significant frequency in large population cohorts (gnomAD); Has not been previously published as pathogenic or benign to our knowledge; In-silico analysis is inconclusive as to whether the variant impacts protein structure/function. In the absence of functional studies, the actual effect of this sequence change is unknown

NM_019066.5(MAGEL2):c.1481G>T (p.Arg494Leu)

Gene: MAGEL2 (MAGE family member L2; minus strand). Cytogenetic location: 15q11.2.
Variant type: single nucleotide variant.
Coding change: c.1481G>T on transcript NM_019066.5 (MANE Select); coding-DNA position 1481, G replaced by T.
Protein change: p.Arg494Leu; replaces arginine 494 with leucine.
Molecular consequence: missense variant.
Genome position (GRCh38, 1-based): chr15:23,646,262, C>A on the plus strand (G>T on the coding strand, the complement: MAGEL2 is on the minus strand). VCF-style: chr15-23646262-C-A. GRCh37 (hg19) VCF-style: chr15-23891409-C-A.
Other names: short protein forms R494L.
Identifiers: ClinVar variation 3906730 (VCV003906730.2).